The following is an entry in ClinVar:

ClinVar aggregate classification (germline): Likely benign. Review status: criteria provided, multiple submitters, no conflicts (2 of 4 stars). 4 submissions from 4 submitters: Likely benign (2). 2 of the submissions do not count toward it. Last evaluated 2025-10-14.

Conditions:
Diamond-Blackfan anemia. Also called: Blackfan Diamond syndrome; Aregenerative anemia chronic congenital; Red cell aplasia, pure hereditary; Congenital hypoplastic anemia; Aase syndrome. Identifiers: Orphanet 124, MedGen C1260899, MeSH D029503, MONDO:0015253, HP:0004810.
RPL26-related disorder. Also called: RPL26-related condition.

Allele frequency attached by ClinVar (database versions not stated): ExAC 0.00021; gnomAD 0.00050 and 0.00056; ESP Exome Variant Server 0.00069; 1000 Genomes Project 30x 0.00078; 1000 Genomes Project 0.00080.
gnomAD v4.1: 163 of 1,613,908 alleles (0.01%); highest among the groups gnomAD compares: African/African-American, 0.2%; no homozygotes.

Submissions (4):

Labcorp Genetics (formerly Invitae), Labcorp
Classification: Likely benign for Diamond-Blackfan anemia. Last evaluated: 2025-10-14. Review status: criteria provided, single submitter. Criteria: Invitae Variant Classification Sherloc (09022015). Collection method: clinical testing. Allele origin: germline.

Blueprint Genetics
Classification: Likely benign. Last evaluated: 2024-03-01. Review status: criteria provided, single submitter. Criteria: ACMG Guidelines, 2015. Collection method: clinical testing. Allele origin: germline.

Genetic Services Laboratory, University of Chicago
Classification: Uncertain significance. Last evaluated: 2022-05-09. Review status: no assertion criteria provided. Collection method: clinical testing. Allele origin: germline. Affected: no. Not counted in ClinVar's aggregate classification.
Comment: DNA sequence analysis of the RPL26 gene demonstrated a sequence change, c.128A>G, in exon 2 that results in an amino acid change, p.Asn43Ser. This sequence change does not appear to have been previously described in individuals with RPL26-related disorders. This sequence change has been described in the gnomAD database with a frequency of 0.22% in the African American subpopulation (dbSNP rs149055327). The p.Asn43Ser change affects a highly conserved amino acid residue located in a domain of the RPL26 protein that is known to be functional. The p.Asn43Ser substitution appears to be benign using several in-silico pathogenicity prediction tools (SIFT, PolyPhen2, Align GVGD, REVEL). Due to insufficient evidences and the lack of functional studies, the clinical significance of the p.Asn43Ser change remains unknown at this time.

PreventionGenetics, part of Exact Sciences
Classification: Likely benign for RPL26-related condition. Last evaluated: 2021-02-08. Review status: no assertion criteria provided. Collection method: clinical testing. Allele origin: germline. Not counted in ClinVar's aggregate classification.
Comment: This variant is classified as likely benign based on ACMG/AMP sequence variant interpretation guidelines (Richards et al. 2015 PMID: 25741868, with internal and published modifications).

NM_000987.5(RPL26):c.128A>G (p.Asn43Ser)

Gene: RPL26 (ribosomal protein L26; minus strand). Cytogenetic location: 17p13.1.
Variant type: single nucleotide variant.
Coding change: c.128A>G on transcript NM_000987.5 (MANE Select); coding-DNA position 128, A replaced by G.
Protein change: p.Asn43Ser; replaces asparagine 43 with serine.
Molecular consequence: missense variant.
Genome position (GRCh38, 1-based): chr17:8,382,183, T>C on the plus strand (A>G on the coding strand, the complement: RPL26 is on the minus strand). VCF-style: chr17-8382183-T-C. GRCh37 (hg19) VCF-style: chr17-8285501-T-C.
Other names: c.128A>G (NM_000987.4, NM_000987.3); c.128A>G, p.Asn43Ser (NM_001315530.2, NM_001315531.2); short protein forms N43S.
Identifiers: ClinVar variation 1116412 (VCV001116412.14), dbSNP rs149055327, ClinGen allele CA8376127.